The following is an entry in ClinVar:

ClinVar aggregate classification (germline): Uncertain significance (1 of 4 stars; one submission).

Allele frequency attached by ClinVar (database versions not stated): TOPMed below 0.00001.

Submission:

ARUP Laboratories, Molecular Genetics and Genomics, ARUP Laboratories
Classification: Uncertain significance. Last evaluated: 2022-06-22. Review status: criteria provided, single submitter. Criteria: ARUP Molecular Germline Variant Investigation Process 2021. Collection method: clinical testing. Allele origin: germline.
Comment: The TNFRSF1A c.1246G>A; p.Ala416Thr variant (rs1947999694), to our knowledge, is not reported in the medical literature or gene specific databases. This variant is absent from the Genome Aggregation Database, indicating it is not a common polymorphism. The alanine at codon 416 is moderately conserved, but computational analyses are uncertain whether this variant is neutral or deleterious (REVEL: 0.617). Due to limited information, the clinical significance of this variant is uncertain at this time.

NM_001065.4(TNFRSF1A):c.1246G>A (p.Ala416Thr)

Gene: TNFRSF1A (TNF receptor superfamily member 1A; minus strand). Cytogenetic location: 12p13.31.
Variant type: single nucleotide variant.
Coding change: c.1246G>A on transcript NM_001065.4 (MANE Select); coding-DNA position 1246, G replaced by A.
Protein change: p.Ala416Thr; replaces alanine 416 with threonine.
Molecular consequence: missense variant. On other transcripts: non-coding transcript variant (1).
Genome position (GRCh38, 1-based): chr12:6,329,434, C>T on the plus strand (G>A on the coding strand, the complement: TNFRSF1A is on the minus strand). VCF-style: chr12-6329434-C-T. GRCh37 (hg19) VCF-style: chr12-6438600-C-T.
Other names: c.922G>A, p.Ala308Thr (NM_001346091.2); c.787G>A, p.Ala263Thr (NM_001346092.2); short protein forms A263T, A308T, A416T.
Identifiers: ClinVar variation 2428676 (VCV002428676.3), dbSNP rs1947999694, ClinGen allele CA383544677.